The following is an entry in ClinVar:

ClinVar aggregate classification (germline): Uncertain significance (1 of 4 stars; one submission).

gnomAD v4.1: 1 of 1,614,182 alleles (0.000062%); highest among the groups gnomAD compares: Non-Finnish European, 0.000085%; no homozygotes.

Submission:

GeneDx
Classification: Uncertain significance. Last evaluated: 2024-10-05. Review status: criteria provided, single submitter. Criteria: GeneDx Variant Classification Process June 2021. Collection method: clinical testing. Allele origin: germline. Affected: yes.
Comment: Not observed at significant frequency in large population cohorts (gnomAD); In silico analysis indicates that this missense variant does not alter protein structure/function; Has not been previously published as pathogenic or benign to our knowledge

NM_014458.4(KLHL20):c.346G>C (p.Glu116Gln)

Gene: KLHL20 (kelch like family member 20; plus strand). Cytogenetic location: 1q25.1.
Variant type: single nucleotide variant.
Coding change: c.346G>C on transcript NM_014458.4 (MANE Select); coding-DNA position 346, G replaced by C.
Protein change: p.Glu116Gln; replaces glutamic acid 116 with glutamine.
Molecular consequence: missense variant.
Genome position (GRCh38, 1-based): chr1:173,734,035, G>C. VCF-style: chr1-173734035-G-C. GRCh37 (hg19) VCF-style: chr1-173703174-G-C.
Other names: short protein forms E116Q.
Identifiers: ClinVar variation 3776621 (VCV003776621.1).
Genomic context (GRCh38, chr1:173,734,035, plus strand): 5'-ATGTTTACAGGAGAATTGGCAGAGAGCCGTCAGACAGAAGTAGTGATCCGAGACATTGAC[G>C]AGAGGGCTATGGAATTACTGATTGACTTTGCGTATACCTCCCAGATAACAGTAGAAGAGG-3'
Protein context (NP_055273.2, residues 106-126): QTEVVIRDID[Glu116Gln]RAMELLIDFA